The following is an entry in ClinVar:

ClinVar aggregate classification (germline): Pathogenic (1 of 4 stars; one submission).

Submission:

Labcorp Genetics (formerly Invitae), Labcorp
Classification: Pathogenic. Last evaluated: 2022-12-12. Review status: criteria provided, single submitter. Criteria: Invitae Variant Classification Sherloc (09022015). Collection method: clinical testing. Allele origin: germline.
Comment: For these reasons, this variant has been classified as Pathogenic. This variant has not been reported in the literature in individuals affected with FLNB-related conditions. This variant is not present in population databases (gnomAD no frequency). This sequence change creates a premature translational stop signal (p.Lys16Glufs*75) in the FLNB gene. It is expected to result in an absent or disrupted protein product. Loss-of-function variants in FLNB are known to be pathogenic (PMID: 14991055).

Literature cited by the submitters: PubMed 14991055.

NM_001457.4(FLNB):c.44dup (p.Lys16fs)

Gene: FLNB (filamin B; plus strand). Cytogenetic location: 3p14.3.
Variant type: Duplication.
Coding change: c.44dup on transcript NM_001457.4 (MANE Select); coding-DNA position 44, one base duplicated (A; older notation c.44dupA).
Protein change: p.Lys16fs; shifts the reading frame from lysine 16.
Molecular consequence: frameshift variant.
Genome position (GRCh38, 1-based): chr3:58,008,608, A duplicated; the last of 2 consecutive A bases (chr3:58,008,607-58,008,608); duplicating either gives the same sequence. VCF-style (leftmost placement, unchanged base first): chr3-58008606-G-GA. GRCh37 (hg19) VCF-style: chr3-57994333-G-GA.
Other names: c.44dup, p.Lys16fs (NM_001164317.2, NM_001164318.2, NM_001164319.2); short protein forms K16fs.
Identifiers: ClinVar variation 2818577 (VCV002818577.3), dbSNP rs2477192770, ClinGen allele CA2739279134.